The following is an entry in ClinVar:

ClinVar aggregate classification (germline): Uncertain significance (1 of 4 stars; one submission).

Conditions:
Parathyroid carcinoma (PRTC). Also called: CDC73-Related Parathyroid Carcinoma; Parathyroid gland carcinoma. Identifiers: Orphanet 143, MedGen C0687150, MONDO:0012004, OMIM 608266, HP:0006780.

Submission:

Labcorp Genetics (formerly Invitae), Labcorp
Classification: Uncertain significance for Parathyroid carcinoma. Last evaluated: 2021-02-10. Review status: criteria provided, single submitter. Criteria: Invitae Variant Classification Sherloc (09022015). Collection method: clinical testing. Allele origin: germline.
Comment: This sequence change replaces leucine with valine at codon 478 of the CDC73 protein (p.Leu478Val). The leucine residue is moderately conserved and there is a small physicochemical difference between leucine and valine. In summary, this variant is a novel missense change with uncertain impact on protein function. It has been classified as a Variant of Uncertain Significance. Algorithms developed to predict the effect of missense changes on protein structure and function do not agree on the potential impact of this missense change (SIFT: "Tolerated"; PolyPhen-2: "Possibly Damaging"; Align-GVGD: "Class C0"). This variant is not present in population databases (ExAC no frequency) and has not been reported in the literature in individuals with a CDC73-related disease.

NM_024529.5(CDC73):c.1432C>G (p.Leu478Val)

Gene: CDC73 (cell division cycle 73; plus strand). Cytogenetic location: 1q31.2.
Variant type: single nucleotide variant.
Coding change: c.1432C>G on transcript NM_024529.5 (MANE Select); coding-DNA position 1432, C replaced by G.
Protein change: p.Leu478Val; replaces leucine 478 with valine.
Molecular consequence: missense variant.
Genome position (GRCh38, 1-based): chr1:193,249,744, C>G. VCF-style: chr1-193249744-C-G. GRCh37 (hg19) VCF-style: chr1-193218874-C-G.
Other names: short protein forms L478V.
Identifiers: ClinVar variation 403902 (VCV000403902.9), dbSNP rs1060500025, ClinGen allele CA16610000.
Genomic context (GRCh38, chr1:193,249,744, plus strand): 5'-TTTTATTTTGAGTAAAAATGATAACTTCTCTCCACCCTCTCTATAGTTAAAGCCTTCCAT[C>G]TGAAGTATGATGAAGTTCGTCTGGATCCAAATGTTCAGAAATGGGATGTAACAGTATTAG-3'
Protein context (NP_078805.3, residues 468-488): DIFAKIKAFH[Leu478Val]KYDEVRLDPN